The following is an entry in ClinVar:

NC_000023.10:g.(?_46712891)_(46719557_?)del

Gene: RP2 (RP2 activator of ARL3 GTPase; plus strand). Cytogenetic location: Xp11.23.
Variant type: Deletion.
Identifiers: ClinVar variation 1458991 (VCV001458991.7).

ClinVar aggregate classification (germline): Pathogenic (1 of 4 stars; one submission).

Submission:

Labcorp Genetics (formerly Invitae), Labcorp
Classification: Pathogenic. Last evaluated: 2022-11-03. Review status: criteria provided, single submitter. Criteria: Invitae Variant Classification Sherloc (09022015). Collection method: clinical testing. Allele origin: germline.
Comment: For these reasons, this variant has been classified as Pathogenic. A similar copy number variant has been observed in individual(s) with X-linked retinitis pigmentosa (Invitae). This variant is a gross deletion of the genomic region encompassing exon(s) 2-3 of the RP2 gene. This deletion is out-of-frame, and is expected to create a premature termination codon and result in an absent or disrupted protein product. Loss-of-function variants in RP2 are known to be pathogenic (PMID: 11992260, 20625056).

Literature cited by the submitters: PubMed 11992260; PubMed 20625056.